The following is an entry in ClinVar:

ClinVar aggregate classification (germline): Uncertain significance (1 of 4 stars; one submission).

Conditions:
Neurodevelopmental disorder with speech impairment and with or without seizures. Also called: Neurodevelopmental disorder with variable intellectual disability and speech impairment, with or without seizures. Identifiers: MedGen C5774252, MONDO:0859313, OMIM 620114.

Submission:

Laboratorio de Genetica e Diagnostico Molecular, Hospital Israelita Albert Einstein
Classification: Uncertain significance for Neurodevelopmental disorder with speech impairment and with or without seizures. Last evaluated: 2024-04-12. Review status: criteria provided, single submitter. Criteria: ACMG Guidelines, 2015. Collection method: clinical testing. Allele origin: germline. Affected: yes.
Comment: ACMG classification criteria: PM2 supporting, PP2 supporting, PP3 supporting

NM_021096.4(CACNA1I):c.581G>T (p.Ser194Ile)

Gene: CACNA1I (calcium voltage-gated channel subunit alpha1 I; plus strand). Cytogenetic location: 22q13.1.
Variant type: single nucleotide variant.
Coding change: c.581G>T on transcript NM_021096.4 (MANE Select); coding-DNA position 581, G replaced by T.
Protein change: p.Ser194Ile; replaces serine 194 with isoleucine.
Molecular consequence: missense variant.
Genome position (GRCh38, 1-based): chr22:39,634,565, G>T. VCF-style: chr22-39634565-G-T. GRCh37 (hg19) VCF-style: chr22-40030570-G-T.
Other names: c.581G>T, p.Ser194Ile (NM_001003406.2); short protein forms S194I.
Identifiers: ClinVar variation 3902036 (VCV003902036.1).